The following is an entry in ClinVar:

NM_014727.3(KMT2B):c.6901G>C (p.Asp2301His)

Gene: KMT2B (lysine methyltransferase 2B; plus strand). Cytogenetic location: 19q13.12.
Variant type: single nucleotide variant.
Coding change: c.6901G>C on transcript NM_014727.3 (MANE Select); coding-DNA position 6901, G replaced by C.
Protein change: p.Asp2301His; replaces aspartic acid 2301 with histidine.
Molecular consequence: missense variant.
Genome position (GRCh38, 1-based): chr19:35,733,450, G>C. VCF-style: chr19-35733450-G-C. GRCh37 (hg19) VCF-style: chr19-36224351-G-C.
Other names: short protein forms D2301H.
Identifiers: ClinVar variation 2059909 (VCV002059909.8), dbSNP rs758151170, ClinGen allele CA9385782.

ClinVar aggregate classification (germline): Conflicting classifications of pathogenicity. Review status: criteria provided, conflicting classifications (1 of 4 stars). 3 submissions from 3 submitters: Uncertain significance (2); Likely benign (1). Last evaluated 2025-09-22.

Conditions:
Inborn genetic diseases. Identifiers: MedGen C0950123, MeSH D030342.

Allele frequency attached by ClinVar (database versions not stated): TOPMed 0.00003; gnomAD exomes 0.00003.
gnomAD v4.1: 40 of 1,560,110 alleles (0.0026%); highest among the groups gnomAD compares: Non-Finnish European, 0.0035%; no homozygotes.

Submissions (3):

Ambry Genetics
Classification: Uncertain significance for Inborn genetic diseases. Last evaluated: 2025-09-22. Review status: criteria provided, single submitter. Criteria: Ambry Variant Classification Scheme 2023. Collection method: clinical testing. Allele origin: germline.

Women's Health and Genetics/Laboratory Corporation of America, LabCorp
Classification: Uncertain significance. Last evaluated: 2025-07-02. Review status: criteria provided, single submitter. Criteria: LabCorp Variant Classification Summary - May 2015. Collection method: clinical testing. Allele origin: germline.
Comment: Variant summary: KMT2B c.6901G>C (p.Asp2301His) results in a non-conservative amino acid change in the encoded protein sequence. Algorithms developed to predict the effect of missense changes on protein structure and function are either unavailable or do not agree on the potential impact of this missense change. The variant allele was found at a frequency of 1.8e-05 in 167730 control chromosomes (gnomAD). The available data on variant occurrences in the general population are insufficient to allow any conclusion about variant significance. To our knowledge, no occurrence of c.6901G>C in individuals affected with Dystonia 28, Childhood-Onset and no experimental evidence demonstrating its impact on protein function have been reported. ClinVar contains an entry for this variant (Variation ID: 2059909). Based on the evidence outlined above, the variant was classified as uncertain significance.

Labcorp Genetics (formerly Invitae), Labcorp
Classification: Likely benign. Last evaluated: 2023-05-23. Review status: criteria provided, single submitter. Criteria: Invitae Variant Classification Sherloc (09022015). Collection method: clinical testing. Allele origin: germline.